The following is an entry in ClinVar:

ClinVar aggregate classification (germline): Uncertain significance. Review status: criteria provided, multiple submitters, no conflicts (2 of 4 stars). 2 submissions from 2 submitters: Uncertain significance (2). Last evaluated 2025-01-26.

Conditions:
Hereditary spastic paraplegia 48. Also called: Spastic paraplegia 48; SPASTIC PARAPLEGIA 48, AUTOSOMAL RECESSIVE. Identifiers: Orphanet 306511, MedGen C3150901, MONDO:0013342, OMIM 613647.
Inborn genetic diseases. Identifiers: MedGen C0950123, MeSH D030342.

Allele frequency attached by ClinVar (database versions not stated): ExAC 0.00014; 1000 Genomes Project 30x 0.00016; 1000 Genomes Project 0.00020.
gnomAD v4.1: 53 of 1,585,812 alleles (0.0033%); highest among the groups gnomAD compares: Admixed American, 0.064%; 1 homozygote.

Submissions (2):

Ambry Genetics
Classification: Uncertain significance for Inborn genetic diseases. Last evaluated: 2025-01-26. Review status: criteria provided, single submitter. Criteria: Ambry Variant Classification Scheme 2023. Collection method: clinical testing. Allele origin: germline.

Labcorp Genetics (formerly Invitae), Labcorp
Classification: Uncertain significance for Hereditary spastic paraplegia 48. Last evaluated: 2024-12-02. Review status: criteria provided, single submitter. Criteria: Invitae Variant Classification Sherloc (09022015). Collection method: clinical testing. Allele origin: germline.
Comment: This sequence change replaces threonine, which is neutral and polar, with methionine, which is neutral and non-polar, at codon 106 of the AP5Z1 protein (p.Thr106Met). This variant is present in population databases (rs566001734, gnomAD 0.1%). This variant has not been reported in the literature in individuals affected with AP5Z1-related conditions. ClinVar contains an entry for this variant (Variation ID: 2137291). Invitae Evidence Modeling of protein sequence and biophysical properties (such as structural, functional, and spatial information, amino acid conservation, physicochemical variation, residue mobility, and thermodynamic stability) indicates that this missense variant is not expected to disrupt AP5Z1 protein function with a negative predictive value of 80%. In summary, the available evidence is currently insufficient to determine the role of this variant in disease. Therefore, it has been classified as a Variant of Uncertain Significance.

NM_014855.3(AP5Z1):c.317C>T (p.Thr106Met)

Gene: AP5Z1 (adaptor related protein complex 5 subunit zeta 1; plus strand). Cytogenetic location: 7p22.1.
Variant type: single nucleotide variant.
Coding change: c.317C>T on transcript NM_014855.3 (MANE Select); coding-DNA position 317, C replaced by T.
Protein change: p.Thr106Met; replaces threonine 106 with methionine.
Molecular consequence: missense variant. On other transcripts: non-coding transcript variant (1), intron variant (1).
Genome position (GRCh38, 1-based): chr7:4,781,705, C>T. VCF-style: chr7-4781705-C-T. GRCh37 (hg19) VCF-style: chr7-4821336-C-T.
Other names: c.317C>T (NM_014855.2); c.-103+393C>T (NM_001364858.1); short protein forms T106M.
Identifiers: ClinVar variation 2137291 (VCV002137291.4), dbSNP rs566001734, ClinGen allele CA4137141.